The following is an entry in ClinVar:

ClinVar aggregate classification (germline): Benign. Review status: criteria provided, single submitter (1 of 4 stars). 2 submissions from 2 submitters: Benign (1). 1 of the submissions does not count toward it. Last evaluated 2026-09-01.

Conditions:
KCNQ1-related disorder. Also called: KCNQ1-related disorders; KCNQ1-related condition. Identifiers: MedGen CN239322.

Allele frequency attached by ClinVar (database versions not stated): 1000 Genomes Project 0.00060; 1000 Genomes Project 30x 0.00062; gnomAD 0.00099; TOPMed 0.00101.
gnomAD v4.1: 491 of 398,340 alleles (0.12%); highest among the groups gnomAD compares: Non-Finnish European, 0.17%; no homozygotes.

Submissions (2):

CeGaT Center for Human Genetics Tuebingen
Classification: Benign. Last evaluated: 2026-09-01. Review status: criteria provided, single submitter. Criteria: CeGaT Center For Human Genetics Tuebingen Variant Classification Criteria Version 2. Collection method: clinical testing. Allele origin: germline. Affected: yes. Observed: 8 variant alleles.
Comment: KCNQ1OT1: BS1, BS2

PreventionGenetics, part of Exact Sciences
Classification: Likely benign for KCNQ1-related condition. Last evaluated: 2022-07-27. Review status: no assertion criteria provided. Collection method: clinical testing. Allele origin: germline. Not counted in ClinVar's aggregate classification.
Comment: This variant is classified as likely benign based on ACMG/AMP sequence variant interpretation guidelines (Richards et al. 2015 PMID: 25741868, with internal and published modifications).

NM_000218.3(KCNQ1):c.1394-11748C>A

Genes: KCNQ1 (potassium voltage-gated channel subfamily Q member 1; plus strand), KCNQ1OT1 (KCNQ1 opposite strand/antisense transcript 1; minus strand). Cytogenetic location: 11p15.5.
Variant type: single nucleotide variant.
Coding change: c.1394-11748C>A on transcript NM_000218.3 (MANE Select); 11748 bases into the intron before coding-DNA position 1394, C replaced by A.
Molecular consequence: intron variant. On other transcripts: non-coding transcript variant (1).
Genome position (GRCh38, 1-based): chr11:2,650,213, C>A. VCF-style: chr11-2650213-C-A. GRCh37 (hg19) VCF-style: chr11-2671443-C-A.
Other names: c.1124-11748C>A (NM_001406837.1); c.1298-11748C>A (NM_001406836.1); c.854-11748C>A (NM_001406838.1); c.1013-11748C>A (NM_181798.2); c.1394-11748C>A (NM_000218.2).
Identifiers: ClinVar variation 2641432 (VCV002641432.25), dbSNP rs186695371, ClinGen allele CA216162157.